The following is an entry in ClinVar:

NM_001244008.2(KIF1A):c.424G>A (p.Val142Met)

Gene: KIF1A (kinesin family member 1A; minus strand). Cytogenetic location: 2q37.3.
Variant type: single nucleotide variant.
Coding change: c.424G>A on transcript NM_001244008.2 (MANE Select); coding-DNA position 424, G replaced by A.
Protein change: p.Val142Met; replaces valine 142 with methionine.
Molecular consequence: missense variant.
Genome position (GRCh38, 1-based): chr2:240,787,256, C>T on the plus strand (G>A on the coding strand, the complement: KIF1A is on the minus strand). VCF-style: chr2-240787256-C-T. GRCh37 (hg19) VCF-style: chr2-241726673-C-T.
Other names: c.424G>A, p.Val142Met (NM_001320705.2, NM_001330289.2, NM_001330290.2 and 20 more transcripts); short protein forms V142M.
Identifiers: ClinVar variation 657573 (VCV000657573.9), dbSNP rs745504142, ClinGen allele CA2208789.
Genomic context (GRCh38, chr2:240,787,256, plus strand): 5'-CCACACCAGATTCCCAGCCCTGCCCCAGCGGCCAACGGCAGGCGGGGAGCCCTACCTCCA[C>T]GGAGTAGGACATGTTGTCGTTGGTCGTGTCGTTGATCCGAGAGAAGAGGTCCTCGCAGAG-3'
Protein context (NP_001230937.1, residues 132-152): DTTNDNMSYS[Val142Met]EVSYMEIYCE

ClinVar aggregate classification (germline): Uncertain significance (1 of 4 stars; one submission).

Conditions:
Neuropathy, hereditary sensory, type 2C. Also called: KIF1A-Related HSAN2 (HSAN2C); Hereditary sensory and autonomic neuropathy type IIC. Identifiers: Orphanet 970, MedGen C3280168, MONDO:0013634, OMIM 614213.
Intellectual disability, autosomal dominant 9 (NESCAVS). Also called: NESCAV SYNDROME; KIF1A-Related Neurodevelopmental Disorder. Identifiers: Orphanet 662367, MedGen C5393830, MONDO:0013656, OMIM 614255.
Hereditary spastic paraplegia 30. Identifiers: Orphanet 101010, MedGen C5235139, MONDO:0012476.

Allele frequency attached by ClinVar (database versions not stated): gnomAD exomes 0.00002 and 0.00001; ExAC 0.00004; TOPMed below 0.00001; gnomAD 0.00001.
gnomAD v4.1: 15 of 1,612,300 alleles (0.00093%); highest among the groups gnomAD compares: South Asian, 0.0011%; no homozygotes.

Submission:

Labcorp Genetics (formerly Invitae), Labcorp
Classification: Uncertain significance for Hereditary spastic paraplegia 30; Neuropathy, hereditary sensory, type 2C; Intellectual disability, autosomal dominant 9. Last evaluated: 2025-05-18. Review status: criteria provided, single submitter. Criteria: Invitae Variant Classification Sherloc (09022015). Collection method: clinical testing. Allele origin: germline.
Comment: This sequence change replaces valine, which is neutral and non-polar, with methionine, which is neutral and non-polar, at codon 142 of the KIF1A protein (p.Val142Met). This variant is present in population databases (rs745504142, gnomAD 0.004%). This variant has not been reported in the literature in individuals affected with KIF1A-related conditions. ClinVar contains an entry for this variant (Variation ID: 657573). Invitae Evidence Modeling of protein sequence and biophysical properties (such as structural, functional, and spatial information, amino acid conservation, physicochemical variation, residue mobility, and thermodynamic stability) indicates that this missense variant is expected to disrupt KIF1A protein function with a positive predictive value of 95%. In summary, the available evidence is currently insufficient to determine the role of this variant in disease. Therefore, it has been classified as a Variant of Uncertain Significance.